The following is an entry in ClinVar:

ClinVar aggregate classification (germline): Pathogenic/Likely pathogenic. Review status: criteria provided, multiple submitters, no conflicts (2 of 4 stars). 2 submissions from 2 submitters: Pathogenic (1); Likely pathogenic (1). Last evaluated 2025-01-23.

Conditions:
Inborn genetic diseases. Identifiers: MedGen C0950123, MeSH D030342.
C5ORF42-related disorders.

Submissions (2):

Ambry Genetics
Classification: Pathogenic for Inborn genetic diseases. Last evaluated: 2025-01-23. Review status: criteria provided, single submitter. Criteria: Ambry Variant Classification Scheme 2023. Collection method: clinical testing. Allele origin: germline.
Comment: The c.4195delC (p.Q1399Rfs*5) alteration, located in exon 25 (coding exon 24) of the CPLANE1 gene, consists of a deletion of one nucleotide at position 4195, causing a translational frameshift with a predicted alternate stop codon after 5 amino acids. This alteration is expected to result in loss of function by premature protein truncation or nonsense-mediated mRNA decay. Based on data from gnomAD, this allele has an overall frequency of <0.001% (1/239302) total alleles studied. The highest observed frequency was 0.001% (1/110354) of European (non-Finnish) alleles. Based on the available evidence, this alteration is classified as pathogenic.

Blueprint Genetics
Classification: Likely pathogenic for C5ORF42-related disorders. Last evaluated: 2023-11-03. Review status: criteria provided, single submitter. Criteria: ACMG Guidelines, 2015. Collection method: clinical testing. Allele origin: germline. Affected: yes. Observed: 1 variant allele.

NM_001384732.1(CPLANE1):c.4195del (p.Gln1399fs)

Gene: CPLANE1 (ciliogenesis and planar polarity effector complex subunit 1; minus strand). Cytogenetic location: 5p13.2.
Variant type: Deletion.
Coding change: c.4195del on transcript NM_001384732.1 (MANE Select); coding-DNA position 4195, one base deleted (C; older notation c.4195delC).
Protein change: p.Gln1399fs; shifts the reading frame from glutamine 1399.
Molecular consequence: frameshift variant.
Genome position (GRCh38, 1-based): chr5:37,185,074, G deleted on the plus strand (C on the coding strand, the reverse complement: CPLANE1 is on the minus strand); the first of 4 consecutive G bases (chr5:37,185,074-37,185,077); deleting any one gives the same sequence. VCF-style (leftmost placement, unchanged base first): chr5-37185073-TG-T. GRCh37 (hg19) VCF-style: chr5-37185175-TG-T.
Other names: c.4195del, p.Gln1399fs (NM_023073.4); short protein forms Q1399fs.
Identifiers: ClinVar variation 3835890 (VCV003835890.2).